The following is an entry in ClinVar:

NM_014844.5(TECPR2):c.1926C>T (p.Val642=)

Gene: TECPR2 (tectonin beta-propeller repeat containing 2; plus strand). Cytogenetic location: 14q32.31.
Variant type: single nucleotide variant.
Coding change: c.1926C>T on transcript NM_014844.5 (MANE Select); coding-DNA position 1926, C replaced by T.
Protein change: p.Val642=; no amino-acid change (valine 642 retained).
Molecular consequence: synonymous variant.
Genome position (GRCh38, 1-based): chr14:102,434,743, C>T. VCF-style: chr14-102434743-C-T. GRCh37 (hg19) VCF-style: chr14-102901080-C-T.
Other names: c.1926C>T, p.Val642= (NM_001172631.3); c.1926C>T (NM_014844.4).
Identifiers: ClinVar variation 698174 (VCV000698174.11), dbSNP rs770279871, ClinGen allele CA7357815.
Genomic context (GRCh38, chr14:102,434,743, plus strand): 5'-TGGGGCGCATGATGGGGAAGACATCCAACCCATTGGCCCCCAAAGCACTTTTTGTGAAGT[C>T]CCCCTCCTGAACTCACTCACTGTGCCTTCCAGCCTCAGCTGGGCCCCAAGTGCTGAACAG-3'
Protein context (NP_055659.2, residues 632-652): PIGPQSTFCE[Val642=]PLLNSLTVPS

ClinVar aggregate classification (germline): Likely benign. Review status: criteria provided, multiple submitters, no conflicts (2 of 4 stars). 3 submissions from 3 submitters: Likely benign (2). 1 of the submissions does not count toward it. Last evaluated 2026-06-18.

Conditions:
TECPR2-related disorder. Also called: TECPR2-related condition.
Hereditary spastic paraplegia 49 (HSAN9). Also called: Spastic paraplegia 49, autosomal recessive; TECPR2-Related Hereditary Sensory and Autonomic Neuropathy with Intellectual Disability; NEUROPATHY, HEREDITARY SENSORY AND AUTONOMIC, TYPE IX, WITH DEVELOPMENTAL DELAY. Identifiers: Orphanet 320385, MedGen C5190860, MONDO:0014016, OMIM 615031.

Allele frequency attached by ClinVar (database versions not stated): gnomAD exomes 0.00001 and 0.00003; ExAC 0.00003; gnomAD 0.00007 and 0.00009; TOPMed 0.00009.
gnomAD v4.1: 34 of 1,613,502 alleles (0.0021%); highest among the groups gnomAD compares: African/African-American, 0.024%; no homozygotes.

Submissions (3):

PreventionGenetics, part of Exact Sciences
Classification: Likely benign for TECPR2-related condition. Last evaluated: 2026-06-18. Review status: criteria provided, single submitter. Criteria: ACMG Guidelines, 2015. Collection method: clinical testing. Allele origin: germline.
Comment: This variant is classified as likely benign based on ACMG/AMP sequence variant interpretation guidelines (Richards et al. 2015 PMID: 25741868, with internal and published modifications).

Labcorp Genetics (formerly Invitae), Labcorp
Classification: Likely benign for Hereditary spastic paraplegia 49. Last evaluated: 2026-01-19. Review status: criteria provided, single submitter. Criteria: Invitae Variant Classification Sherloc (09022015). Collection method: clinical testing. Allele origin: germline.

Natera, Inc.
Classification: Likely benign for Autosomal recessive spastic paraplegia type 49. Last evaluated: 2020-11-06. Review status: no assertion criteria provided. Collection method: clinical testing. Allele origin: germline. Not counted in ClinVar's aggregate classification.